The following is an entry in ClinVar:

ClinVar aggregate classification (germline): Uncertain significance (1 of 4 stars; one submission).

gnomAD v4.1: 2 of 1,549,808 alleles (0.00013%); highest among the groups gnomAD compares: Admixed American, 0.002%; no homozygotes.

Submission:

Ambry Genetics
Classification: Uncertain significance. Last evaluated: 2025-02-01. Review status: criteria provided, single submitter. Criteria: Ambry Variant Classification Scheme 2023. Collection method: clinical testing. Allele origin: germline.
Comment: The p.S1973G variant (also known as c.5917A>G), located in coding exon 23 of the WNK2 gene, results from an A to G substitution at nucleotide position 5917. The serine at codon 1973 is replaced by glycine, an amino acid with similar properties. This amino acid position is conserved. In addition, this alteration is predicted to be tolerated by in silico analysis. Based on the available evidence, the clinical significance of this variant remains unclear.

NM_006648.4(WNK2):c.5917A>G (p.Ser1973Gly)

Gene: WNK2 (WNK lysine deficient protein kinase 2; plus strand). Cytogenetic location: 9q22.31.
Variant type: single nucleotide variant.
Coding change: c.5917A>G on transcript NM_006648.4 (MANE Select); coding-DNA position 5917, A replaced by G.
Protein change: p.Ser1973Gly; replaces serine 1973 with glycine.
Molecular consequence: missense variant.
Genome position (GRCh38, 1-based): chr9:93,298,061, A>G. VCF-style: chr9-93298061-A-G. GRCh37 (hg19) VCF-style: chr9-96060343-A-G.
Other names: c.6028A>G, p.Ser2010Gly (NM_001282394.3); short protein forms S2010G, S1973G.
Identifiers: ClinVar variation 3816965 (VCV003816965.1).